The following is an entry in ClinVar:

ClinVar aggregate classification (germline): Uncertain significance (1 of 4 stars; one submission).

Conditions:
Hereditary cancer-predisposing syndrome. Also called: Neoplastic Syndromes, Hereditary; Tumor predisposition; Hereditary Cancer Syndrome; Hereditary neoplastic syndrome. Identifiers: Orphanet 140162, MedGen C0027672, MeSH D009386, MONDO:0015356.

Submission:

Ambry Genetics
Classification: Uncertain significance for Hereditary cancer-predisposing syndrome. Last evaluated: 2026-02-15. Review status: criteria provided, single submitter. Criteria: Ambry Variant Classification Scheme 2023. Collection method: clinical testing. Allele origin: germline.
Comment: The p.S1232T variant (also known as c.3695G>C), located in coding exon 20 of the DICER1 gene, results from a G to C substitution at nucleotide position 3695. The serine at codon 1232 is replaced by threonine, an amino acid with similar properties. This amino acid position is conserved. In addition, this alteration is predicted to be tolerated by in silico analysis. Based on the available evidence, the clinical significance of this variant remains unclear.

NM_177438.3(DICER1):c.3695G>C (p.Ser1232Thr)

Gene: DICER1 (dicer 1, ribonuclease III; minus strand). Cytogenetic location: 14q32.13.
Variant type: single nucleotide variant.
Coding change: c.3695G>C on transcript NM_177438.3 (MANE Select); coding-DNA position 3695, G replaced by C.
Protein change: p.Ser1232Thr; replaces serine 1232 with threonine.
Molecular consequence: missense variant. On other transcripts: non-coding transcript variant (6).
Genome position (GRCh38, 1-based): chr14:95,103,701, C>G on the plus strand (G>C on the coding strand, the complement: DICER1 is on the minus strand). VCF-style: chr14-95103701-C-G. GRCh37 (hg19) VCF-style: chr14-95570038-C-G.
Other names: c.3695G>C, p.Ser1232Thr (NM_001195573.1, NM_001271282.3, NM_001291628.2 and 12 more transcripts); c.3413G>C, p.Ser1138Thr (NM_001395686.1); c.3290G>C, p.Ser1097Thr (NM_001395687.1, NM_001395688.1, NM_001395689.1 and 2 more transcripts); c.3128G>C, p.Ser1043Thr (NM_001395691.1); c.2012G>C, p.Ser671Thr (NM_001395697.1); short protein forms S1138T, S1097T, S1043T, S671T, S1232T.
Identifiers: ClinVar variation 4831664 (VCV004831664.1).